The following is an entry in ClinVar:

ClinVar aggregate classification (germline): Uncertain significance (1 of 4 stars; one submission).

Conditions:
SATB2-related disorder. Also called: SATB2-related condition.

Submission:

PreventionGenetics, part of Exact Sciences
Classification: Uncertain significance for SATB2-related condition. Last evaluated: 2025-09-22. Review status: criteria provided, single submitter. Criteria: ACMG Guidelines, 2015. Collection method: clinical testing. Allele origin: germline.
Comment: The SATB2 c.515A>G variant is predicted to result in the amino acid substitution p.His172Arg. To our knowledge, this variant has not been reported in the literature or in a large population database (gnomAD), indicating this variant is rare. At this time, the clinical significance of this variant is uncertain due to the absence of conclusive functional and genetic evidence.

NM_001172509.2(SATB2):c.515A>G (p.His172Arg)

Gene: SATB2 (SATB homeobox 2; minus strand). Cytogenetic location: 2q33.1.
Variant type: single nucleotide variant.
Coding change: c.515A>G on transcript NM_001172509.2 (MANE Select); coding-DNA position 515, A replaced by G.
Protein change: p.His172Arg; replaces histidine 172 with arginine.
Molecular consequence: missense variant.
Genome position (GRCh38, 1-based): chr2:199,380,446, T>C on the plus strand (A>G on the coding strand, the complement: SATB2 is on the minus strand). VCF-style: chr2-199380446-T-C. GRCh37 (hg19) VCF-style: chr2-200245169-T-C.
Other names: c.515A>G, p.His172Arg (NM_001172517.1, NM_015265.4); short protein forms H172R.
Identifiers: ClinVar variation 3348944 (VCV003348944.2).